The following is an entry in ClinVar:

NM_004408.4(DNM1):c.1457T>C (p.Met486Thr)

Gene: DNM1 (dynamin 1; plus strand). Cytogenetic location: 9q34.11.
Variant type: single nucleotide variant.
Coding change: c.1457T>C on transcript NM_004408.4 (MANE Select); coding-DNA position 1457, T replaced by C.
Protein change: p.Met486Thr; replaces methionine 486 with threonine.
Molecular consequence: missense variant.
Genome position (GRCh38, 1-based): chr9:128,239,479, T>C. VCF-style: chr9-128239479-T-C. GRCh37 (hg19) VCF-style: chr9-131001758-T-C.
Other names: c.1457T>C, p.Met486Thr (NM_001005336.3, NM_001288737.2, NM_001288738.2 and 2 more transcripts); short protein forms M486T.
Identifiers: ClinVar variation 3375737 (VCV003375737.3).
Genomic context (GRCh38, chr9:128,239,479, plus strand): 5'-GCCCACCAACCTATGTATCCTTGAAGGTCATGCTTCTCATCGATATCGAGCTGGCTTACA[T>C]GAACACCAACCATGAGGACTTCATAGGCTTTGCCAAGTGAGTGCTCCCCCAGGCAAAAAG-3'
Protein context (NP_004399.2, residues 476-496): MLLIDIELAY[Met486Thr]NTNHEDFIGF

ClinVar aggregate classification (germline): Uncertain significance. Review status: criteria provided, multiple submitters, no conflicts (2 of 4 stars). 2 submissions from 2 submitters: Uncertain significance (2). Last evaluated 2024-05-07.

Conditions:
Developmental and epileptic encephalopathy, 31A. Also called: Epileptic encephalopathy, early infantile, 31; Developmental and epileptic encephalopathy, 31. Identifiers: Orphanet 2382, MedGen C4225357, MONDO:0014598, OMIM 616346.

Submissions (2):

GeneDx
Classification: Uncertain significance. Last evaluated: 2024-05-07. Review status: criteria provided, single submitter. Criteria: GeneDx Variant Classification Process June 2021. Collection method: clinical testing. Allele origin: germline. Affected: yes.
Comment: Not observed at significant frequency in large population cohorts (gnomAD); In silico analysis supports that this missense variant has a deleterious effect on protein structure/function; Has not been previously published as pathogenic or benign to our knowledge

Labcorp Genetics (formerly Invitae), Labcorp
Classification: Uncertain significance for Developmental and epileptic encephalopathy, 31A. Last evaluated: 2024-04-12. Review status: criteria provided, single submitter. Criteria: Invitae Variant Classification Sherloc (09022015). Collection method: clinical testing. Allele origin: germline.
Comment: This sequence change replaces methionine, which is neutral and non-polar, with threonine, which is neutral and polar, at codon 486 of the DNM1 protein (p.Met486Thr). This variant is not present in population databases (gnomAD no frequency). This variant has not been reported in the literature in individuals affected with DNM1-related conditions. Advanced modeling of protein sequence and biophysical properties (such as structural, functional, and spatial information, amino acid conservation, physicochemical variation, residue mobility, and thermodynamic stability) has been performed at Invitae for this missense variant, however the output from this modeling did not meet the statistical confidence thresholds required to predict the impact of this variant on DNM1 protein function. In summary, the available evidence is currently insufficient to determine the role of this variant in disease. Therefore, it has been classified as a Variant of Uncertain Significance.